The following is an entry in ClinVar:

ClinVar aggregate classification (germline): Uncertain significance. Review status: criteria provided, single submitter (1 of 4 stars). 2 submissions from 2 submitters: Uncertain significance (1). 1 of the submissions does not count toward it. Last evaluated 2017-05-26.

Conditions:
Inborn genetic diseases. Identifiers: MedGen C0950123, MeSH D030342.
ADNP-related multiple congenital anomalies - intellectual disability - autism spectrum disorder. Also called: Helsmoortel-Van der Aa Syndrome; ADNP-Related Helsmoortel-Van der Aa Syndrome. Identifiers: Orphanet 404448, MedGen C4014538, MONDO:0014379, OMIM 615873. Disease mechanism: loss of function.

gnomAD v4.1: 1 of 1,614,102 alleles (0.000062%); highest among the groups gnomAD compares: Non-Finnish European, 0.000085%; no homozygotes.

Submissions (2):

Ambry Genetics
Classification: Uncertain significance for Inborn genetic diseases. Last evaluated: 2017-05-26. Review status: criteria provided, single submitter. Criteria: Ambry Variant Classification Scheme 2023. Collection method: clinical testing. Allele origin: germline.
Comment: The p.N259H variant (also known as c.775A>C), located in coding exon 3 of the ADNP gene, results from an A to C substitution at nucleotide position 775. The asparagine at codon 259 is replaced by histidine, an amino acid with similar properties. This amino acid position is well conserved in available vertebrate species. In addition, the in silico prediction for this alteration is inconclusive. Since supporting evidence is limited at this time, the clinical significance of this alteration remains unclear.

Lupski Lab, Baylor-Hopkins CMG, Baylor College of Medicine
Classification: Uncertain significance for ADNP-related multiple congenital anomalies - intellectual disability - autism spectrum disorder. Review status: no assertion criteria provided. Collection method: research. Allele origin: inherited. Inheritance: Autosomal recessive inheritance. Affected: yes. Observed: 5 variant alleles, 4 heterozygotes, 1 homozygote. Not counted in ClinVar's aggregate classification.

NM_001282531.3(ADNP):c.775A>C (p.Asn259His)

Gene: ADNP (activity dependent neuroprotector homeobox; minus strand). Cytogenetic location: 20q13.13.
Variant type: single nucleotide variant.
Coding change: c.775A>C on transcript NM_001282531.3 (MANE Select); coding-DNA position 775, A replaced by C.
Protein change: p.Asn259His; replaces asparagine 259 with histidine.
Molecular consequence: missense variant.
Genome position (GRCh38, 1-based): chr20:50,893,939, T>G on the plus strand (A>C on the coding strand, the complement: ADNP is on the minus strand). VCF-style: chr20-50893939-T-G. GRCh37 (hg19) VCF-style: chr20-49510476-T-G.
Other names: c.775A>C, p.Asn259His (NM_001282532.2, NM_001347511.2, NM_015339.5 and 1 more transcripts); short protein forms N259H.
Identifiers: ClinVar variation 589645 (VCV000589645.6), dbSNP rs1568710433, ClinGen allele CA408975981.